The following is an entry in ClinVar:

ClinVar aggregate classification (germline): Uncertain significance. Review status: criteria provided, multiple submitters, no conflicts (2 of 4 stars). 2 submissions from 2 submitters: Uncertain significance (2). Last evaluated 2024-04-12.

Conditions:
Neurodevelopmental disorder with poor language and loss of hand skills. Identifiers: MedGen C4693546, MONDO:0060659, OMIM 617903.
Developmental and epileptic encephalopathy, 59. Also called: Early infantile epileptic encephalopathy 59. Identifiers: MedGen C4693550, MONDO:0033368, OMIM 617904.
Epileptic encephalopathy. Identifiers: MedGen C0543888, HP:0200134.

Allele frequency attached by ClinVar (database versions not stated): gnomAD 0.00001 and 0.00002; TOPMed 0.00005.
gnomAD v4.1: 4 of 1,443,046 alleles (0.00028%); highest among the groups gnomAD compares: African/African-American, 0.0029%; no homozygotes.

Submissions (2):

Labcorp Genetics (formerly Invitae), Labcorp
Classification: Uncertain significance for Epileptic encephalopathy. Last evaluated: 2024-04-12. Review status: criteria provided, single submitter. Criteria: Invitae Variant Classification Sherloc (09022015). Collection method: clinical testing. Allele origin: germline.
Comment: This sequence change replaces arginine, which is basic and polar, with glutamine, which is neutral and polar, at codon 48 of the GABBR2 protein (p.Arg48Gln). This variant is not present in population databases (gnomAD no frequency). This variant has not been reported in the literature in individuals affected with GABBR2-related conditions. ClinVar contains an entry for this variant (Variation ID: 983374). Experimental studies and prediction algorithms are not available or were not evaluated, and the functional significance of this variant is currently unknown. In summary, the available evidence is currently insufficient to determine the role of this variant in disease. Therefore, it has been classified as a Variant of Uncertain Significance.

New York Genome Center
Classification: Uncertain significance for Developmental and epileptic encephalopathy, 59; Neurodevelopmental disorder with poor language and loss of hand skills. Last evaluated: 2022-01-07. Review status: criteria provided, single submitter. Criteria: NYGC Assertion Criteria 2020. Collection method: clinical testing. Allele origin: inherited. Observed: 1 heterozygote. Study: CSER-NYCKidSeq.

NM_005458.8(GABBR2):c.143G>A (p.Arg48Gln)

Gene: GABBR2 (gamma-aminobutyric acid type B receptor subunit 2; minus strand). Cytogenetic location: 9q22.33.
Variant type: single nucleotide variant.
Coding change: c.143G>A on transcript NM_005458.8 (MANE Select); coding-DNA position 143, G replaced by A.
Protein change: p.Arg48Gln; replaces arginine 48 with glutamine.
Molecular consequence: missense variant.
Genome position (GRCh38, 1-based): chr9:98,708,595, C>T on the plus strand (G>A on the coding strand, the complement: GABBR2 is on the minus strand). VCF-style: chr9-98708595-C-T. GRCh37 (hg19) VCF-style: chr9-101470877-C-T.
Other names: short protein forms R48Q.
Identifiers: ClinVar variation 983374 (VCV000983374.11), dbSNP rs1431110237, ClinGen allele CA374212763.